The following is an entry in ClinVar:

ClinVar aggregate classification (germline): Pathogenic/Likely pathogenic. Review status: criteria provided, multiple submitters, no conflicts (2 of 4 stars). 3 submissions from 3 submitters: Pathogenic (2); Likely pathogenic (1). Last evaluated 2026-04-24.

Conditions:
Metachromatic leukodystrophy (MLD). Also called: Cerebral sclerosis diffuse metachromatic form; Arylsulfatase A Deficiency; METACHROMATIC LEUKOENCEPHALOPATHY; SULFATIDE LIPIDOSIS; ARSA DEFICIENCY; CEREBROSIDE SULFATASE DEFICIENCY. Identifiers: Orphanet 512, MedGen C0023522, MONDO:0018868, OMIM 250100.

Allele frequency attached by ClinVar (database versions not stated): gnomAD exomes below 0.00001.

Submissions (3):

Myriad Genetics, Inc.
Classification: Likely pathogenic for Metachromatic leukodystrophy. Last evaluated: 2026-04-24. Review status: criteria provided, single submitter. Criteria: Myriad Autosomal Dominant, Autosomal Recessive and X-Linked Classification Criteria (2023). Collection method: clinical testing. Allele origin: unknown.
Comment: NM_000487.5(ARSA):c.905G>A(C302Y) is a missense variant classified as likely pathogenic in the context of metachromatic leukodystrophy. C302Y has been observed in cases with relevant disease (PMID: 32632536, 38702429, 38259611, Yilmaz_2017_(abstract)). Relevant functional assessments of this variant are not available in the literature. C302Y has not been observed in referenced population frequency databases. In summary, NM_000487.5(ARSA):c.905G>A(C302Y) is a missense variant that has been observed more frequently in cases with the relevant disease than in healthy populations. Please note: this variant was assessed in the context of healthy population screening.

Labcorp Genetics (formerly Invitae), Labcorp
Classification: Pathogenic for Metachromatic leukodystrophy. Last evaluated: 2024-12-09. Review status: criteria provided, single submitter. Criteria: Invitae Variant Classification Sherloc (09022015). Collection method: clinical testing. Allele origin: germline.
Comment: This sequence change replaces cysteine, which is neutral and slightly polar, with tyrosine, which is neutral and polar, at codon 302 of the ARSA protein (p.Cys302Tyr). This variant is not present in population databases (gnomAD no frequency). This missense change has been observed in individual(s) with clinical features of metachromatic leukodystrophy (PMID: 32632536; internal data). ClinVar contains an entry for this variant (Variation ID: 963270). Invitae Evidence Modeling of protein sequence and biophysical properties (such as structural, functional, and spatial information, amino acid conservation, physicochemical variation, residue mobility, and thermodynamic stability) indicates that this missense variant is expected to disrupt ARSA protein function with a positive predictive value of 95%. This variant disrupts the p.Cys302 amino acid residue in ARSA. Other variant(s) that disrupt this residue have been observed in individuals with ARSA-related conditions (PMID: 33385934), which suggests that this may be a clinically significant amino acid residue. For these reasons, this variant has been classified as Pathogenic.

Amsterdam Leukodystrophy Center, Amsterdam UMC
Classification: Pathogenic for Metachromatic leukodystrophy. Last evaluated: 2020-06-24. Review status: criteria provided, single submitter. Criteria: ACMG Guidelines, 2015. Collection method: clinical testing. Allele origin: inherited. Affected: yes.
Comment: Homozygous - novel (late-infantile MLD)

Literature cited by the submitters: PubMed 32632536 (cited by Labcorp Genetics (formerly Invitae), Labcorp and Amsterdam Leukodystrophy Center, Amsterdam UMC); PubMed 33385934 (cited by Labcorp Genetics (formerly Invitae), Labcorp).

NM_000487.6(ARSA):c.905G>A (p.Cys302Tyr)

Gene: ARSA (arylsulfatase A; minus strand). Cytogenetic location: 22q13.33.
Variant type: single nucleotide variant.
Coding change: c.905G>A on transcript NM_000487.6 (MANE Select); coding-DNA position 905, G replaced by A.
Protein change: p.Cys302Tyr; replaces cysteine 302 with tyrosine.
Molecular consequence: missense variant.
Genome position (GRCh38, 1-based): chr22:50,626,228, C>T on the plus strand (G>A on the coding strand, the complement: ARSA is on the minus strand). VCF-style: chr22-50626228-C-T. GRCh37 (hg19) VCF-style: chr22-51064656-C-T.
Other names: c.905G>A, p.Cys302Tyr (NM_001085425.3, NM_001085426.3, NM_001085427.3); c.647G>A, p.Cys216Tyr (NM_001085428.3, NM_001362782.2); short protein forms C216Y, C302Y.
Identifiers: ClinVar variation 963270 (VCV000963270.12), dbSNP rs74315484, ClinGen allele CA412174737.